The following is an entry in ClinVar:

ClinVar aggregate classification (germline): Uncertain significance (1 of 4 stars; one submission).

Submission:

GeneDx
Classification: Uncertain significance. Last evaluated: 2022-05-16. Review status: criteria provided, single submitter. Criteria: GeneDx Variant Classification Process June 2021. Collection method: clinical testing. Allele origin: germline. Affected: yes.
Comment: Not observed at significant frequency in large population cohorts (gnomAD); In silico analysis supports that this missense variant has a deleterious effect on protein structure/function; Has not been previously published as pathogenic or benign to our knowledge

NM_001292063.2(OTOG):c.7641G>C (p.Gln2547His)

Gene: OTOG (otogelin; plus strand). Cytogenetic location: 11p15.1.
Variant type: single nucleotide variant.
Coding change: c.7641G>C on transcript NM_001292063.2 (MANE Select); coding-DNA position 7641, G replaced by C.
Protein change: p.Gln2547His; replaces glutamine 2547 with histidine.
Molecular consequence: missense variant.
Genome position (GRCh38, 1-based): chr11:17,635,135, G>C. VCF-style: chr11-17635135-G-C. GRCh37 (hg19) VCF-style: chr11-17656682-G-C.
Other names: c.7677G>C, p.Gln2559His (NM_001277269.2); short protein forms Q2547H, Q2559H.
Identifiers: ClinVar variation 1800567 (VCV001800567.1), dbSNP rs2497622512, ClinGen allele CA379813017.
Genomic context (GRCh38, chr11:17,635,135, plus strand): 5'-CCCAGAGTGTGACCCAGATCTCTGTGAGGCAGAGCTGGTCCCCAGCTGCCGACAGGACCA[G>C]ATCCTGATCACGGGCCGCCTGGGGGACTCCTGCTGCACCTCCTACTTCTGCGGTGGGTCG-3'
Protein context (NP_001278992.1, residues 2537-2557): AELVPSCRQD[Gln2547His]ILITGRLGDS